The following is an entry in ClinVar:

NM_001079.4(ZAP70):c.475G>T (p.Glu159Ter)

Gene: ZAP70 (zeta chain of T cell receptor associated protein kinase 70; plus strand). Cytogenetic location: 2q11.2.
Variant type: single nucleotide variant.
Coding change: c.475G>T on transcript NM_001079.4 (MANE Select); coding-DNA position 475, G replaced by T.
Protein change: p.Glu159Ter; replaces glutamic acid 159 with a stop codon.
Molecular consequence: nonsense.
Genome position (GRCh38, 1-based): chr2:97,725,164, G>T. VCF-style: chr2-97725164-G-T. GRCh37 (hg19) VCF-style: chr2-98341627-G-T.
Other names: c.475G>T, p.Glu159Ter (NM_001378594.1); short protein forms E159*.
Identifiers: ClinVar variation 1072344 (VCV001072344.7), dbSNP rs1263533157, ClinGen allele CA347792757.

ClinVar aggregate classification (germline): Pathogenic (1 of 4 stars; one submission).

Conditions:
Combined immunodeficiency due to ZAP70 deficiency (IMD48). Also called: Immunodeficiency 48; ZAP70 Deficiency. Identifiers: Orphanet 911, MedGen C2931299, MONDO:0010023, OMIM 269840.

gnomAD v4.1: 2 of 1,614,184 alleles (0.00012%); highest among the groups gnomAD compares: Non-Finnish European, 0.00017%; no homozygotes.

Submission:

Labcorp Genetics (formerly Invitae), Labcorp
Classification: Pathogenic for Combined immunodeficiency due to ZAP70 deficiency. Last evaluated: 2025-03-13. Review status: criteria provided, single submitter. Criteria: Invitae Variant Classification Sherloc (09022015). Collection method: clinical testing. Allele origin: germline.
Comment: This sequence change creates a premature translational stop signal (p.Glu159*) in the ZAP70 gene. It is expected to result in an absent or disrupted protein product. Loss-of-function variants in ZAP70 are known to be pathogenic (PMID: 8202712). This variant is not present in population databases (gnomAD no frequency). This variant has not been reported in the literature in individuals affected with ZAP70-related conditions. ClinVar contains an entry for this variant (Variation ID: 1072344). For these reasons, this variant has been classified as Pathogenic.

Literature cited by the submitters: PubMed 8202712.